The following is an entry in ClinVar:

NM_000426.4(LAMA2):c.112+2T>C

Gene: LAMA2 (laminin subunit alpha 2; plus strand). Cytogenetic location: 6q22.33.
Variant type: single nucleotide variant.
Coding change: c.112+2T>C on transcript NM_000426.4 (MANE Select); the canonical splice donor site of the intron after coding-DNA position 112, T replaced by C.
Molecular consequence: splice donor variant.
Genome position (GRCh38, 1-based): chr6:128,883,359, T>C. VCF-style: chr6-128883359-T-C. GRCh37 (hg19) VCF-style: chr6-129204504-T-C.
Other names: c.112+2T>C (NM_001079823.2).
Identifiers: ClinVar variation 849735 (VCV000849735.7), dbSNP rs1211322465, ClinGen allele CA365828379.

ClinVar aggregate classification (germline): Pathogenic. Review status: criteria provided, multiple submitters, no conflicts (2 of 4 stars). 2 submissions from 2 submitters: Pathogenic (2). Last evaluated 2025-12-31.

Conditions:
Merosin deficient congenital muscular dystrophy (MDC1A). Also called: Congenital merosin-deficient muscular dystrophy 1A; Congenital Muscular Dystrophy Type 1A (MDC1A). Identifiers: Orphanet 258, MedGen C1263858, MONDO:0011925, OMIM 607855.
LAMA2-related muscular dystrophy (LAMA2-RD). Also called: Laminin alpha 2-related dystrophy. Identifiers: MedGen C5679788, MONDO:0100228.

Allele frequency attached by ClinVar (database versions not stated): gnomAD 0.00001.

Submissions (2):

Labcorp Genetics (formerly Invitae), Labcorp
Classification: Pathogenic for LAMA2-related muscular dystrophy. Last evaluated: 2025-12-31. Review status: criteria provided, single submitter. Criteria: Invitae Variant Classification Sherloc (09022015). Collection method: clinical testing. Allele origin: germline.
Comment: This sequence change affects a donor splice site in intron 1 of the LAMA2 gene. It is expected to disrupt RNA splicing. Variants that disrupt the donor or acceptor splice site typically lead to a loss of protein function (PMID: 16199547), and loss-of-function variants in LAMA2 are known to be pathogenic (PMID: 18700894, 32904964). This variant is present in population databases (no rsID available, gnomAD 0.01%). Disruption of this splice site has been observed in individual(s) with merosin deficient congenital muscular dystrophy (PMID: 20207543). ClinVar contains an entry for this variant (Variation ID: 849735). Algorithms developed to predict the effect of sequence changes on RNA splicing suggest that this variant may disrupt the consensus splice site. For these reasons, this variant has been classified as Pathogenic.

3billion
Classification: Pathogenic for Merosin deficient congenital muscular dystrophy. Last evaluated: 2025-02-10. Review status: criteria provided, single submitter. Criteria: ACMG Guidelines, 2015. Collection method: clinical testing. Allele origin: germline. Affected: yes.
Comment: The variant is observed at an extremely low frequency in the gnomAD v4.1.0 dataset (total allele frequency: <0.001%). Predicted Consequence/Location: Canonical splice site: predicted to alter splicing and result in a loss or disruption of normal protein function. Multiple pathogenic loss-of-function variants are reported downstream of the variant. The variant has been reported to be associated with LAMA2-related disorder (ClinVar ID: VCV000849735). Therefore, this variant is classified as Pathogenic according to the recommendation of ACMG/AMP guideline.

Literature cited by the submitters: PubMed 16199547 (cited by Labcorp Genetics (formerly Invitae), Labcorp); PubMed 18700894 (cited by Labcorp Genetics (formerly Invitae), Labcorp); PubMed 32904964 (cited by Labcorp Genetics (formerly Invitae), Labcorp); PubMed 20207543 (cited by Labcorp Genetics (formerly Invitae), Labcorp).